The following is an entry in ClinVar:

ClinVar aggregate classification (germline): Uncertain significance. Review status: criteria provided, multiple submitters, no conflicts (2 of 4 stars). 2 submissions from 2 submitters: Uncertain significance (2). Last evaluated 2025-02-17.

Conditions:
Hereditary cancer-predisposing syndrome. Also called: Neoplastic Syndromes, Hereditary; Hereditary Cancer Syndrome; Hereditary neoplastic syndrome; Tumor predisposition. Identifiers: Orphanet 140162, MedGen C0027672, MeSH D009386, MONDO:0015356.

Allele frequency attached by ClinVar (database versions not stated): gnomAD exomes below 0.00001; TOPMed 0.00001.

Submissions (2):

Labcorp Genetics (formerly Invitae), Labcorp
Classification: Uncertain significance. Last evaluated: 2025-02-17. Review status: criteria provided, single submitter. Criteria: Invitae Variant Classification Sherloc (09022015). Collection method: clinical testing. Allele origin: germline.
Comment: This sequence change replaces valine, which is neutral and non-polar, with alanine, which is neutral and non-polar, at codon 94 of the CTNNA1 protein (p.Val94Ala). This variant is present in population databases (no rsID available, gnomAD 0.007%). This variant has not been reported in the literature in individuals affected with CTNNA1-related conditions. ClinVar contains an entry for this variant (Variation ID: 934426). Invitae Evidence Modeling of protein sequence and biophysical properties (such as structural, functional, and spatial information, amino acid conservation, physicochemical variation, residue mobility, and thermodynamic stability) indicates that this missense variant is not expected to disrupt CTNNA1 protein function with a negative predictive value of 80%. In summary, the available evidence is currently insufficient to determine the role of this variant in disease. Therefore, it has been classified as a Variant of Uncertain Significance.

Ambry Genetics
Classification: Uncertain significance for Hereditary cancer-predisposing syndrome. Last evaluated: 2023-05-05. Review status: criteria provided, single submitter. Criteria: Ambry Variant Classification Scheme 2023. Collection method: clinical testing. Allele origin: germline.
Comment: The p.V94A variant (also known as c.281T>C), located in coding exon 2 of the CTNNA1 gene, results from a T to C substitution at nucleotide position 281. The valine at codon 94 is replaced by alanine, an amino acid with similar properties. This amino acid position is conserved. In addition, the in silico prediction for this alteration is inconclusive. Since supporting evidence is limited at this time, the clinical significance of this alteration remains unclear.

NM_001903.5(CTNNA1):c.281T>C (p.Val94Ala)

Gene: CTNNA1 (catenin alpha 1; plus strand). Cytogenetic location: 5q31.2.
Variant type: single nucleotide variant.
Coding change: c.281T>C on transcript NM_001903.5 (MANE Select); coding-DNA position 281, T replaced by C.
Protein change: p.Val94Ala; replaces valine 94 with alanine.
Molecular consequence: missense variant. On other transcripts: intron variant (2).
Genome position (GRCh38, 1-based): chr5:138,783,352, T>C. VCF-style: chr5-138783352-T-C. GRCh37 (hg19) VCF-style: chr5-138119041-T-C.
Other names: c.281T>C, p.Val94Ala (NM_001290307.3, NM_001323982.2, NM_001323983.1 and 3 more transcripts); c.-6+80T>C (NM_001290310.3); c.-9+1323T>C (NM_001290309.3); c.281T>C (NM_001903.2); short protein forms V94A.
Identifiers: ClinVar variation 934426 (VCV000934426.11), dbSNP rs1240655761, ClinGen allele CA361477679.